The following is an entry in ClinVar:

ClinVar aggregate classification (germline): Likely benign (1 of 4 stars; one submission).

Allele frequency attached by ClinVar (database versions not stated): 1000 Genomes Project 30x 0.00031; 1000 Genomes Project 0.00040.
gnomAD v4.1: 34 of 152,314 alleles (0.022%); highest among the groups gnomAD compares: South Asian, 0.46%; no homozygotes.

Submission:

CeGaT Center for Human Genetics Tuebingen
Classification: Likely benign. Last evaluated: 2026-08-01. Review status: criteria provided, single submitter. Criteria: CeGaT Center For Human Genetics Tuebingen Variant Classification Criteria Version 2. Collection method: clinical testing. Allele origin: germline. Affected: yes. Observed: 10 variant alleles.
Comment: RET: BS1

NM_020975.6(RET):c.2137-166G>A

Gene: RET (ret proto-oncogene; plus strand). Cytogenetic location: 10q11.21.
Variant type: single nucleotide variant.
Coding change: c.2137-166G>A on transcript NM_020975.6 (MANE Select); 166 bases into the intron before coding-DNA position 2137, G replaced by A.
Molecular consequence: intron variant.
Genome position (GRCh38, 1-based): chr10:43,116,418, G>A. VCF-style: chr10-43116418-G-A. GRCh37 (hg19) VCF-style: chr10-43611866-G-A.
Other names: c.1699-166G>A (NM_001406771.1, NM_001406773.1); c.1240-166G>A (NM_001406782.1, NM_001406780.1, NM_001406779.1 and 1 more transcripts); c.1105-166G>A (NM_001406787.1); c.1120-166G>A (NM_001406785.1); c.2008-166G>A (NM_001406764.1, NM_001406762.1, NM_001406761.1); c.1873-166G>A (NM_001406768.1); c.1612-166G>A (NM_001406774.1); c.1111-166G>A (NM_001406786.1, NM_001406783.1); and 10 more.
Identifiers: ClinVar variation 2498461 (VCV002498461.28), dbSNP rs529847759, ClinGen allele CA206263618.